The following is an entry in ClinVar:

ClinVar aggregate classification (germline): Uncertain significance (1 of 4 stars; one submission).

Submission:

Labcorp Genetics (formerly Invitae), Labcorp
Classification: Uncertain significance. Last evaluated: 2025-10-21. Review status: criteria provided, single submitter. Criteria: Invitae Variant Classification Sherloc (09022015). Collection method: clinical testing. Allele origin: germline.
Comment: This sequence change replaces alanine, which is neutral and non-polar, with valine, which is neutral and non-polar, at codon 27 of the RIPPLY2 protein (p.Ala27Val). This variant is not present in population databases (gnomAD no frequency). This variant has not been reported in the literature in individuals affected with RIPPLY2-related conditions. ClinVar contains an entry for this variant (Variation ID: 2415892). An algorithm developed to predict the effect of missense changes on protein structure and function (PolyPhen-2) suggests that this variant is likely to be tolerated. In summary, the available evidence is currently insufficient to determine the role of this variant in disease. Therefore, it has been classified as a Variant of Uncertain Significance.

NM_001009994.3(RIPPLY2):c.80C>T (p.Ala27Val)

Genes: RIPPLY2 (ripply transcriptional repressor 2; plus strand), RIPPLY2-CYB5R4 (RIPPLY2-CYB5R4 readthrough; plus strand). Cytogenetic location: 6q14.2.
Variant type: single nucleotide variant.
Coding change: c.80C>T on transcript NM_001009994.3 (MANE Select); coding-DNA position 80, C replaced by T.
Protein change: p.Ala27Val; replaces alanine 27 with valine.
Molecular consequence: missense variant. On other transcripts: non-coding transcript variant (1).
Genome position (GRCh38, 1-based): chr6:83,853,496, C>T. VCF-style: chr6-83853496-C-T. GRCh37 (hg19) VCF-style: chr6-84563215-C-T.
Other names: c.80C>T, p.Ala27Val (NM_001400900.1); short protein forms A27V.
Identifiers: ClinVar variation 2415892 (VCV002415892.4), dbSNP rs1462742124, ClinGen allele CA365048995.